The following is an entry in ClinVar:

NM_006231.4(POLE):c.4952+11T>A

Gene: POLE (DNA polymerase epsilon, catalytic subunit; minus strand). Cytogenetic location: 12q24.33.
Variant type: single nucleotide variant.
Coding change: c.4952+11T>A on transcript NM_006231.4 (MANE Select); 11 bases into the intron after coding-DNA position 4952, T replaced by A.
Molecular consequence: intron variant.
Genome position (GRCh38, 1-based): chr12:132,642,495, A>T on the plus strand (T>A on the coding strand, the complement: POLE is on the minus strand). VCF-style: chr12-132642495-A-T. GRCh37 (hg19) VCF-style: chr12-133219081-A-T.
Other names: c.4952+11T>A (NM_006231.3).
Identifiers: ClinVar variation 371925 (VCV000371925.14), dbSNP rs779889181, ClinGen allele CA6892674.

ClinVar aggregate classification (germline): Likely benign. Review status: criteria provided, multiple submitters, no conflicts (2 of 4 stars). 7 submissions from 7 submitters: Likely benign (6). 1 of the submissions does not count toward it. Last evaluated 2026-01-21.

Conditions:
POLE-related polyposis and colorectal cancer syndrome. Identifiers: MedGen CN324030, MONDO:0100287.
Colorectal cancer, susceptibility to, 12 (CRCS12). Also called: COLORECTAL CANCER, SUSCEPTIBILITY TO, ON CHROMOSOME 12q24. Identifiers: Orphanet 220460, MedGen C3554460, MONDO:0014038, OMIM 615083.

Allele frequency attached by ClinVar (database versions not stated): gnomAD 0.00005; TOPMed 0.00006; gnomAD exomes 0.00009 and 0.00011; ExAC 0.00011.
gnomAD v4.1: 142 of 1,613,054 alleles (0.0088%); highest among the groups gnomAD compares: South Asian, 0.093%; no homozygotes.

Submissions (7):

Labcorp Genetics (formerly Invitae), Labcorp
Classification: Likely benign. Last evaluated: 2026-01-21. Review status: criteria provided, single submitter. Criteria: Invitae Variant Classification Sherloc (09022015). Collection method: clinical testing. Allele origin: germline.

Center for Genomic Medicine, Rigshospitalet, Copenhagen University Hospital
Classification: Likely benign. Last evaluated: 2025-03-04. Review status: criteria provided, single submitter. Criteria: ACMG Guidelines, 2015. Collection method: clinical testing. Allele origin: germline.

KCCC/NGS Laboratory, Kuwait Cancer Control Center
Classification: Likely benign for Colorectal cancer, susceptibility to, 12. Last evaluated: 2023-07-07. Review status: criteria provided, single submitter. Criteria: ACMG Guidelines, 2015. Collection method: clinical testing. Allele origin: germline. Affected: yes.

Blueprint Genetics
Classification: Likely benign. Last evaluated: 2021-11-02. Review status: criteria provided, single submitter. Criteria: ACMG Guidelines, 2015. Collection method: clinical testing. Allele origin: germline.

Department of Pathology and Laboratory Medicine, Sinai Health System
Classification: Likely benign for POLE-related polyposis and colorectal cancer syndrome. Last evaluated: 2020-03-27. Review status: criteria provided, single submitter. Criteria: ACMG Guidelines, 2015. Collection method: clinical testing. Allele origin: germline.

GeneDx
Classification: Likely benign. Last evaluated: 2017-11-20. Review status: criteria provided, single submitter. Criteria: GeneDx Variant Classification (06012015). Collection method: clinical testing. Allele origin: germline. Affected: yes.
Comment: This variant is considered likely benign or benign based on one or more of the following criteria: it is a conservative change, it occurs at a poorly conserved position in the protein, it is predicted to be benign by multiple in silico algorithms, and/or has population frequency not consistent with disease.

Counsyl
Classification: Likely benign for Colorectal cancer, susceptibility to, 12. Last evaluated: 2016-08-18. Review status: no assertion criteria provided. Collection method: clinical testing. Allele origin: unknown. Not counted in ClinVar's aggregate classification.